The following is an entry in ClinVar:

ClinVar aggregate classification (germline): Uncertain significance (1 of 4 stars; one submission).

Conditions:
Autosomal recessive osteopetrosis 7. Identifiers: Orphanet 178389, MedGen C2676766, MONDO:0012859, OMIM 612301.

Submission:

Neuberg Centre For Genomic Medicine, NCGM
Classification: Uncertain significance for Autosomal recessive osteopetrosis 7. Review status: criteria provided, single submitter. Criteria: ACMG Guidelines, 2015. Collection method: clinical testing. Allele origin: germline. Affected: yes.
Comment: The amino acid Trp at position 80 is changed to a Cys changing protein sequence and it might alter its composition and physico-chemical properties. The p.Trp80Cys variant is novel (not in any individuals) in gnomAD Exomes and 1000 Genomes. This variant has not been reported previously in affected individuals. The variant is predicted to be damaging by both SIFT and PolyPhen2. The residue is conserved across species. The amino acid change p.Trp80Cys in TNFRSF11A is predicted as conserved by GERP++ and PhyloP across 100 vertebrates. For these reasons the variant has been classified as Uncertain Significance.

NM_003839.4(TNFRSF11A):c.240G>T (p.Trp80Cys)

Gene: TNFRSF11A (TNF receptor superfamily member 11a; plus strand). Cytogenetic location: 18q21.33.
Variant type: single nucleotide variant.
Coding change: c.240G>T on transcript NM_003839.4 (MANE Select); coding-DNA position 240, G replaced by T.
Protein change: p.Trp80Cys; replaces tryptophan 80 with cysteine.
Molecular consequence: missense variant.
Genome position (GRCh38, 1-based): chr18:62,349,894, G>T. VCF-style: chr18-62349894-G-T. GRCh37 (hg19) VCF-style: chr18-60017127-G-T.
Other names: c.240G>T, p.Trp80Cys (NM_001270949.2, NM_001270950.2, NM_001270951.2 and 1 more transcripts); short protein forms W80C.
Identifiers: ClinVar variation 1878547 (VCV001878547.1), dbSNP rs2513289717, ClinGen allele CA402610831.